The following is an entry in ClinVar:

NM_001267550.2(TTN):c.95174G>A (p.Cys31725Tyr)

Genes: TTN (titin; minus strand), TTN-AS1 (TTN antisense RNA 1; plus strand). Cytogenetic location: 2q31.2.
Variant type: single nucleotide variant.
Coding change: c.95174G>A on transcript NM_001267550.2 (MANE Select); coding-DNA position 95174, G replaced by A.
Protein change: p.Cys31725Tyr; replaces cysteine 31725 with tyrosine.
Molecular consequence: missense variant.
Genome position (GRCh38, 1-based): chr2:178,546,062, C>T on the plus strand (G>A on the coding strand, the complement: TTN is on the minus strand). VCF-style: chr2-178546062-C-T. GRCh37 (hg19) VCF-style: chr2-179410789-C-T.
Other names: c.90251G>A, p.Cys30084Tyr (NM_001256850.1); c.67979G>A, p.Cys22660Tyr (NM_003319.4); c.87470G>A, p.Cys29157Tyr (NM_133378.4); c.68354G>A, p.Cys22785Tyr (NM_133432.3); c.68555G>A, p.Cys22852Tyr (NM_133437.4); short protein forms C22852Y, C31725Y, C22785Y, C30084Y, C22660Y, C29157Y.
Identifiers: ClinVar variation 2015853 (VCV002015853.4), dbSNP rs2469033324, ClinGen allele CA349465913.

ClinVar aggregate classification (germline): Uncertain significance (1 of 4 stars; one submission).

Conditions:
Autosomal recessive limb-girdle muscular dystrophy type 2J (LGMDR10). Also called: Limb-girdle muscular dystrophy, type 2J; MUSCULAR DYSTROPHY, LIMB-GIRDLE, AUTOSOMAL RECESSIVE 10. Identifiers: Orphanet 140922, MedGen C1837342, MONDO:0012127, OMIM 608807.
Dilated cardiomyopathy 1G (CMD1G). Identifiers: Orphanet 154, MedGen C1858763, MONDO:0011400, OMIM 604145.

Submission:

Labcorp Genetics (formerly Invitae), Labcorp
Classification: Uncertain significance for Dilated cardiomyopathy 1G; Autosomal recessive limb-girdle muscular dystrophy type 2J. Last evaluated: 2024-09-03. Review status: criteria provided, single submitter. Criteria: Invitae Variant Classification Sherloc (09022015). Collection method: clinical testing. Allele origin: germline.
Comment: This sequence change replaces cysteine, which is neutral and slightly polar, with tyrosine, which is neutral and polar, at codon 31725 of the TTN protein (p.Cys31725Tyr). This variant is not present in population databases (gnomAD no frequency). This variant has not been reported in the literature in individuals affected with TTN-related conditions. ClinVar contains an entry for this variant (Variation ID: 2015853). Experimental studies and prediction algorithms are not available or were not evaluated, and the functional significance of this variant is currently unknown. This variant is located in the A band of TTN (PMID: 25589632). Variants in this region may be relevant for cardiac or neuromuscular disorders (PMID: 25589632, 23975875). In summary, the available evidence is currently insufficient to determine the role of this variant in disease. Therefore, it has been classified as a Variant of Uncertain Significance.

Literature cited by the submitters: PubMed 25589632; PubMed 23975875.